The following is an entry in ClinVar:

ClinVar aggregate classification (germline): Pathogenic. Review status: criteria provided, multiple submitters, no conflicts (2 of 4 stars). 2 submissions from 2 submitters: Pathogenic (2). Last evaluated 2022-04-08.

Conditions:
Hereditary cancer-predisposing syndrome. Also called: Hereditary neoplastic syndrome; Tumor predisposition; Neoplastic Syndromes, Hereditary; Hereditary Cancer Syndrome. Identifiers: Orphanet 140162, MedGen C0027672, MeSH D009386, MONDO:0015356.
Microcephaly, normal intelligence and immunodeficiency (NBS). Also called: IMMUNODEFICIENCY, MICROCEPHALY, AND CHROMOSOMAL INSTABILITY; Ataxia telangiectasia variant V1; SEEMANOVA SYNDROME II; BERLIN BREAKAGE SYNDROME; Nijmegen breakage syndrome; Microcephaly with normal intelligence immunodeficiency and lymphoreticular malignancies. Identifiers: Orphanet 647, MedGen C0398791, MONDO:0009623, OMIM 251260.

Submissions (2):

Ambry Genetics
Classification: Pathogenic for Hereditary cancer-predisposing syndrome. Last evaluated: 2022-04-08. Review status: criteria provided, single submitter. Criteria: Ambry Variant Classification Scheme 2023. Collection method: clinical testing. Allele origin: germline.
Comment: The p.E146* pathogenic mutation (also known as c.436G>T), located in coding exon 4 of the NBN gene, results from a G to T substitution at nucleotide position 436. This changes the amino acid from a glutamic acid to a stop codon within coding exon 4. This variant is considered to be rare based on population cohorts in the Genome Aggregation Database (gnomAD). This alteration is expected to result in loss of function by premature protein truncation or nonsense-mediated mRNA decay. As such, this alteration is interpreted as a disease-causing mutation.

Labcorp Genetics (formerly Invitae), Labcorp
Classification: Pathogenic for Microcephaly, normal intelligence and immunodeficiency. Last evaluated: 2021-09-29. Review status: criteria provided, single submitter. Criteria: Invitae Variant Classification Sherloc (09022015). Collection method: clinical testing. Allele origin: germline.
Comment: Loss-of-function variants in NBN are known to be pathogenic (PMID: 9590180, 16415040). This variant has not been reported in the literature in individuals with NBN-related conditions. This variant is not present in population databases (ExAC no frequency). This sequence change creates a premature translational stop signal (p.Glu146*) in the NBN gene. It is expected to result in an absent or disrupted protein product. For these reasons, this variant has been classified as Pathogenic.

Literature cited by the submitters: PubMed 9590180 (cited by Labcorp Genetics (formerly Invitae), Labcorp); PubMed 16415040 (cited by Labcorp Genetics (formerly Invitae), Labcorp).

NM_002485.5(NBN):c.436G>T (p.Glu146Ter)

Gene: NBN (nibrin; minus strand). Cytogenetic location: 8q21.3.
Variant type: single nucleotide variant.
Coding change: c.436G>T on transcript NM_002485.5 (MANE Select); coding-DNA position 436, G replaced by T.
Protein change: p.Glu146Ter; replaces glutamic acid 146 with a stop codon.
Molecular consequence: nonsense.
Genome position (GRCh38, 1-based): chr8:89,980,778, C>A on the plus strand (G>T on the coding strand, the complement: NBN is on the minus strand). VCF-style: chr8-89980778-C-A. GRCh37 (hg19) VCF-style: chr8-90993006-C-A.
Other names: c.190G>T, p.Glu64Ter (NM_001024688.3); short protein forms E146*, E64*.
Identifiers: ClinVar variation 949452 (VCV000949452.10), dbSNP rs1812023357, ClinGen allele CA371661690.